The following is an entry in ClinVar:

ClinVar aggregate classification (germline): Likely benign. Review status: criteria provided, multiple submitters, no conflicts (2 of 4 stars). 2 submissions from 2 submitters: Likely benign (2). Last evaluated 2025-03-04.

Conditions:
Nephronophthisis 15 (NPHP15). Identifiers: Orphanet 3156, MedGen C3541853, MONDO:0013917, OMIM 614845.
CEP164-related disorder. Also called: CEP164-related condition.

Submissions (2):

Labcorp Genetics (formerly Invitae), Labcorp
Classification: Likely benign for Nephronophthisis 15. Last evaluated: 2025-03-04. Review status: criteria provided, single submitter. Criteria: Invitae Variant Classification Sherloc (09022015). Collection method: clinical testing. Allele origin: germline.

PreventionGenetics, part of Exact Sciences
Classification: Likely benign for CEP164-related condition. Last evaluated: 2024-12-06. Review status: criteria provided, single submitter. Criteria: ACMG Guidelines, 2015. Collection method: clinical testing. Allele origin: germline.
Comment: This variant is classified as likely benign based on ACMG/AMP sequence variant interpretation guidelines (Richards et al. 2015 PMID: 25741868, with internal and published modifications).

NM_014956.5(CEP164):c.4284G>A (p.Arg1428=)

Gene: CEP164 (centrosomal protein 164; plus strand). Cytogenetic location: 11q23.3.
Variant type: single nucleotide variant.
Coding change: c.4284G>A on transcript NM_014956.5 (MANE Select); coding-DNA position 4284, G replaced by A.
Protein change: p.Arg1428=; no amino-acid change (arginine 1428 retained).
Molecular consequence: synonymous variant.
Genome position (GRCh38, 1-based): chr11:117,411,915, G>A. VCF-style: chr11-117411915-G-A. GRCh37 (hg19) VCF-style: chr11-117282631-G-A.
Other names: c.4284G>A (NM_014956.4); c.4269G>A, p.Arg1423= (NM_001271933.2).
Identifiers: ClinVar variation 1663838 (VCV001663838.9), dbSNP rs774452782, ClinGen allele CA476899741.